The following is an entry in ClinVar:

ClinVar aggregate classification (germline): Uncertain significance. Review status: criteria provided, multiple submitters, no conflicts (2 of 4 stars). 2 submissions from 2 submitters: Uncertain significance (2). Last evaluated 2025-04-19.

Conditions:
Familial thoracic aortic aneurysm and aortic dissection (TAAD). Also called: Thoracic aortic aneurysms and dissections. Identifiers: Orphanet 91387, MedGen C4707243, MONDO:0019625.
Aortic aneurysm, familial thoracic 4 (AAT4). Also called: AORTIC ANEURYSM/AORTIC DISSECTION AND PATENT DUCTUS ARTERIOSUS. Identifiers: MedGen C1851504, MONDO:0007568, OMIM 132900.

Allele frequency attached by ClinVar (database versions not stated): ExAC 0.00002.
gnomAD v4.1: 6 of 1,609,030 alleles (0.00037%); highest among the groups gnomAD compares: East Asian, 0.0045%; no homozygotes.

Submissions (2):

Color Diagnostics, LLC DBA Color Health
Classification: Uncertain significance for Familial thoracic aortic aneurysm and aortic dissection. Last evaluated: 2025-04-19. Review status: criteria provided, single submitter. Criteria: ACMG Guidelines, 2015. Collection method: clinical testing. Allele origin: germline.
Comment: This missense variant replaces glutamic acid with glutamine at codon 1779 of the MYH11 protein. Computational prediction suggests that this variant may have deleterious impact on protein structure and function. To our knowledge, functional studies have not been reported for this variant. This variant has not been reported in individuals affected with MYH11-related disorders in the literature. This variant has been identified in 4/246876 chromosomes in the general population by the Genome Aggregation Database (gnomAD). The available evidence is insufficient to determine the role of this variant in disease conclusively. Therefore, this variant is classified as a Variant of Uncertain Significance.

Labcorp Genetics (formerly Invitae), Labcorp
Classification: Uncertain significance for Aortic aneurysm, familial thoracic 4. Last evaluated: 2023-11-15. Review status: criteria provided, single submitter. Criteria: Invitae Variant Classification Sherloc (09022015). Collection method: clinical testing. Allele origin: germline.
Comment: This sequence change replaces glutamic acid, which is acidic and polar, with glutamine, which is neutral and polar, at codon 1779 of the MYH11 protein (p.Glu1779Gln). This variant is present in population databases (rs369969369, gnomAD 0.02%). This variant has not been reported in the literature in individuals affected with MYH11-related conditions. Advanced modeling of protein sequence and biophysical properties (such as structural, functional, and spatial information, amino acid conservation, physicochemical variation, residue mobility, and thermodynamic stability) performed at Invitae indicates that this missense variant is not expected to disrupt MYH11 protein function with a negative predictive value of 95%. In summary, the available evidence is currently insufficient to determine the role of this variant in disease. Therefore, it has been classified as a Variant of Uncertain Significance.

NM_002474.3(MYH11):c.5314G>C (p.Glu1772Gln)

Genes: MYH11 (myosin heavy chain 11; minus strand), NDE1 (nudE neurodevelopment protein 1; plus strand). Cytogenetic location: 16p13.11.
Variant type: single nucleotide variant.
Coding change: c.5314G>C on transcript NM_002474.3 (MANE Select); coding-DNA position 5314, G replaced by C.
Protein change: p.Glu1772Gln; replaces glutamic acid 1772 with glutamine.
Molecular consequence: missense variant. On other transcripts: intron variant (2).
Genome position (GRCh38, 1-based): chr16:15,717,330, C>G on the plus strand (G>C on the coding strand, the complement: MYH11 is on the minus strand). VCF-style: chr16-15717330-C-G. GRCh37 (hg19) VCF-style: chr16-15811187-C-G.
Other names: c.5335G>C, p.Glu1779Gln (NM_001040113.2, NM_001040114.2); c.5314G>C, p.Glu1772Gln (NM_022844.3); c.948-6861C>G (NM_001143979.2, NM_017668.3); short protein forms E1772Q, E1779Q.
Identifiers: ClinVar variation 2911556 (VCV002911556.3), dbSNP rs369969369, ClinGen allele CA7921305.